The following is an entry in ClinVar:

ClinVar aggregate classification (germline): Uncertain significance (1 of 4 stars; one submission).

Submission:

GeneDx
Classification: Uncertain significance. Last evaluated: 2025-03-20. Review status: criteria provided, single submitter. Criteria: GeneDx Variant Classification Process June 2021. Collection method: clinical testing. Allele origin: germline. Affected: yes.
Comment: Not observed at significant frequency in large population cohorts (gnomAD); In silico analysis supports that this missense variant has a deleterious effect on protein structure/function; Has not been previously published as pathogenic or benign to our knowledge

NM_032482.3(DOT1L):c.778A>G (p.Met260Val)

Gene: DOT1L (DOT1 like histone lysine methyltransferase; plus strand). Cytogenetic location: 19p13.3.
Variant type: single nucleotide variant.
Coding change: c.778A>G on transcript NM_032482.3 (MANE Select); coding-DNA position 778, A replaced by G.
Protein change: p.Met260Val; replaces methionine 260 with valine.
Molecular consequence: missense variant.
Genome position (GRCh38, 1-based): chr19:2,202,770, A>G. VCF-style: chr19-2202770-A-G. GRCh37 (hg19) VCF-style: chr19-2202769-A-G.
Other names: c.778A>G, p.Met260Val (NM_001411141.1); short protein forms M260V.
Identifiers: ClinVar variation 4086403 (VCV004086403.1).